The following is an entry in ClinVar:

ClinVar aggregate classification (germline): Uncertain significance. Review status: criteria provided, multiple submitters, no conflicts (2 of 4 stars). 2 submissions from 2 submitters: Uncertain significance (2). Last evaluated 2024-04-25.

Submissions (2):

Labcorp Genetics (formerly Invitae), Labcorp
Classification: Uncertain significance. Last evaluated: 2024-04-25. Review status: criteria provided, single submitter. Criteria: Invitae Variant Classification Sherloc (09022015). Collection method: clinical testing. Allele origin: germline.
Comment: This sequence change replaces proline, which is neutral and non-polar, with serine, which is neutral and polar, at codon 349 of the FH protein (p.Pro349Ser). This variant is not present in population databases (gnomAD no frequency). This variant has not been reported in the literature in individuals affected with FH-related conditions. Advanced modeling of protein sequence and biophysical properties (such as structural, functional, and spatial information, amino acid conservation, physicochemical variation, residue mobility, and thermodynamic stability) performed at Invitae indicates that this missense variant is expected to disrupt FH protein function with a positive predictive value of 95%. In summary, the available evidence is currently insufficient to determine the role of this variant in disease. Therefore, it has been classified as a Variant of Uncertain Significance.

GeneDx
Classification: Uncertain significance. Last evaluated: 2023-12-10. Review status: criteria provided, single submitter. Criteria: GeneDx Variant Classification Process June 2021. Collection method: clinical testing. Allele origin: germline. Affected: yes.
Comment: Not observed at significant frequency in large population cohorts (gnomAD); In silico analysis supports that this missense variant has a deleterious effect on protein structure/function; Has not been previously published as pathogenic or benign to our knowledge

NM_000143.4(FH):c.1045C>T (p.Pro349Ser)

Gene: FH (fumarate hydratase; minus strand). Cytogenetic location: 1q43.
Variant type: single nucleotide variant.
Coding change: c.1045C>T on transcript NM_000143.4 (MANE Select); coding-DNA position 1045, C replaced by T.
Protein change: p.Pro349Ser; replaces proline 349 with serine.
Molecular consequence: missense variant.
Genome position (GRCh38, 1-based): chr1:241,504,105, G>A on the plus strand (C>T on the coding strand, the complement: FH is on the minus strand). VCF-style: chr1-241504105-G-A. GRCh37 (hg19) VCF-style: chr1-241667405-G-A.
Other names: short protein forms P349S.
Identifiers: ClinVar variation 3365354 (VCV003365354.3).
Genomic context (GRCh38, chr1:241,504,105, plus strand): 5'-GCATGATACTGCTTCCTGGTTCATTTTCAGGCAAGATCAATTCTCCCAGACCTGACCGAG[G>A]ACCAGAACCCAAAAATCGAATATCATTTGCTATCTTCATCAGACTGCAGGCAGTAGTGTT-3'
Protein context (NP_000134.2, residues 339-359): ANDIRFLGSG[Pro349Ser]RSGLGELILP